The following is an entry in ClinVar:

ClinVar aggregate classification (germline): Pathogenic. Review status: reviewed by expert panel (3 of 4 stars). 5 submissions from 3 submitters: Pathogenic (1). 4 of the submissions do not count toward it. Last evaluated 2025-12-05.

Conditions:
Severe early-childhood-onset retinal dystrophy (STGD1). Also called: Stargardt macular dystrophy; Juvenile onset macular degeneration; Stargardt disease 1; MACULAR DYSTROPHY WITH FLECKS, TYPE 1; STGD. Identifiers: Orphanet 364055, Orphanet 827, MedGen C1855465, MeSH D000080362, MONDO:0009549, OMIM 248200.
Cone-rod dystrophy 3 (CORD3). Identifiers: Orphanet 1872, MedGen C1858806, MONDO:0011395, OMIM 604116.
Retinitis pigmentosa 19 (RP19). Also called: ABCA4-Related Retinitis Pigmentosa. Identifiers: Orphanet 791, MedGen C1866422, MONDO:0011137, OMIM 601718.
ABCA4-related retinopathy. Also called: ABCA4-related retinoapthy; ABCA4 retinoapthy. Identifiers: MedGen CN322612, MONDO:0800406.

Submissions (5):

ClinGen ABCA4 Variant Curation Expert Panel, Clingen
Classification: Pathogenic for ABCA4-related retinopathy. Last evaluated: 2025-12-05. Review status: reviewed by expert panel. Criteria: ClinGen ABCA4 ACMG Specifications V1.0.0. Collection method: curation. Allele origin: germline. Inheritance: Autosomal recessive inheritance.
Comment: The NM_000350.3(ABCA4):c.[1622T>C;3113C>T] variant in ABCA4 is a complex missense variant predicted to cause substitution of leucine by proline at amino acid 541 (p.Leu541Pro) and a substitution of alanine by valine at amino acid 1038 (p.Ala1038Val). Of note, both variants in this haplotype have been classified individually by the ClinGen ABCA4 VCEP. p.Leu541Pro was classified as a VUS and p.Ala1038Val was classified as likely pathogenic. Thus, both variants must been present for a pathogenic classification. The GroupMax filtering allele frequency for c.3113C>T; p.Ala1038Val in gnomAD v4.1.0 is 0.001985, which is greater than the ClinGen ABCA4 VCEP’s threshold for BS1_Supporting (>0.00163); however, the ABCA4 p.Ala1039Val variant is on the BS1 exclusion list. The computational predictor REVEL gives a score of 0.983 for c.1622T>C p.(Leu541Pro) which is above the threshold of >0.772, evidence that predicts a damaging effect on ABCA4 function (PP3_Moderate). The prevalence of p.Leu541Pro in affected individuals is significantly increased compared with the prevalence in controls. The OR is 30.8 and the CI is 18.27-53.64, which is above the ABCA4 VCEP threshold of ≥5, where the CI does not contain 1. The prevalence of p.Ala1038Val in affected individuals is significantly increased compared with the prevalence in controls. The OR is 5.7 and the CI is 4.49-7.18, which is above the ABCA4 VCEP threshold of ≥5, where the CI does not contain 1 (PS4; PMID: 35120629). This variant has been detected in at least 2 individuals meeting criteria for ABCA4-related retinopathy. One of those individuals was compound heterozygous for the variant and a known pathogenic variant which was not confirmed in trans. Autofluorescence and A2E production were measured in transgenic mice and showed loss of function of ABCA4 protein indicating that this variant impacts protein function (PS3; PMID: 25712131). In summary, this variant meets the criteria to be classified as pathogenic for ABCA4-related retinopathy based on the ACMG/AMP criteria applied, as specified by the ClinGen ABCA4 VCEP (Specification Version 1.0): PS4, PM3, PS3, PP3_Moderate.

Institute of Medical Molecular Genetics, University of Zurich
Classification: Likely pathogenic for Severe early-childhood-onset retinal dystrophy. Last evaluated: 2021-01-30. Review status: criteria provided, single submitter. Criteria: ACMG Guidelines, 2015. Collection method: clinical testing. Allele origin: germline. Affected: yes. Not counted in ClinVar's aggregate classification.

OMIM
Classification: Pathogenic for STARGARDT DISEASE 1. Last evaluated: 2005-10-01. Review status: no assertion criteria provided. Collection method: literature only. Allele origin: germline. Not counted in ClinVar's aggregate classification.

OMIM
Classification: Pathogenic for CONE-ROD DYSTROPHY 3. Last evaluated: 2005-10-01. Review status: no assertion criteria provided. Collection method: literature only. Allele origin: germline. Not counted in ClinVar's aggregate classification.

OMIM
Classification: Pathogenic for RETINITIS PIGMENTOSA 19. Last evaluated: 2005-10-01. Review status: no assertion criteria provided. Collection method: literature only. Allele origin: germline. Not counted in ClinVar's aggregate classification.

Literature cited by the submitters: PubMed 10958763 (cited by OMIM); PubMed 10958761 (cited by OMIM); PubMed 12796258 (cited by OMIM); PubMed 16103129 (cited by OMIM).

NM_000350.2(ABCA4):c.[1622T>C;3113C>T]

Variant type: Haplotype.
Identifiers: ClinVar variation 7901 (VCV000007901.3).